The following is an entry in ClinVar:

NM_003235.5(TG):c.7007G>A (p.Arg2336Gln)

Gene: TG (thyroglobulin; plus strand). Cytogenetic location: 8q24.22.
Variant type: single nucleotide variant.
Coding change: c.7007G>A on transcript NM_003235.5 (MANE Select); coding-DNA position 7007, G replaced by A.
Protein change: p.Arg2336Gln; replaces arginine 2336 with glutamine.
Molecular consequence: missense variant.
Genome position (GRCh38, 1-based): chr8:133,022,121, G>A. VCF-style: chr8-133022121-G-A. GRCh37 (hg19) VCF-style: chr8-134034366-G-A.
Other names: short protein forms R2336Q.
Identifiers: ClinVar variation 12705 (VCV000012705.7), dbSNP rs121912650, ClinGen allele CA210711.

ClinVar aggregate classification (germline): Pathogenic/Likely pathogenic. Review status: criteria provided, multiple submitters, no conflicts (2 of 4 stars). 4 submissions from 4 submitters: Pathogenic (1); Likely pathogenic (2). 1 of the submissions does not count toward it. Last evaluated 2024-01-22.

Conditions:
Iodotyrosyl coupling defect (TDH3). Also called: THYROID HORMONOGENESIS, GENETIC DEFECT IN, 3; HYPOTHYROIDISM, CONGENITAL, DUE TO DYSHORMONOGENESIS, 3. Identifiers: Orphanet 95716, MedGen C0342194, MONDO:0010135, OMIM 274700.
TG-related disorder. Also called: TG-related disorders; TG-related condition.
Autoimmune thyroid disease, susceptibility to, 3. Identifiers: MedGen C1842444, MONDO:0011982, OMIM 608175.

Allele frequency attached by ClinVar (database versions not stated): gnomAD exomes below 0.00001 and 0.00001; ExAC 0.00002; TOPMed 0.00002.

Submissions (4):

Labcorp Genetics (formerly Invitae), Labcorp
Classification: Likely pathogenic. Last evaluated: 2024-01-22. Review status: criteria provided, single submitter. Criteria: Invitae Variant Classification Sherloc (09022015). Collection method: clinical testing. Allele origin: germline.
Comment: This sequence change replaces arginine, which is basic and polar, with glutamine, which is neutral and polar, at codon 2336 of the TG protein (p.Arg2336Gln). This variant is present in population databases (rs121912650, gnomAD 0.0009%). This missense change has been observed in individual(s) with TG-related conditions (PMID: 16720658, 29275168). In at least one individual the data is consistent with being in trans (on the opposite chromosome) from a pathogenic variant. This variant is also known as R2317Q. ClinVar contains an entry for this variant (Variation ID: 12705). Advanced modeling of protein sequence and biophysical properties (such as structural, functional, and spatial information, amino acid conservation, physicochemical variation, residue mobility, and thermodynamic stability) performed at Invitae indicates that this missense variant is expected to disrupt TG protein function with a positive predictive value of 80%. Experimental studies have shown that this missense change affects TG function (PMID: 23035660). In summary, the currently available evidence indicates that the variant is pathogenic, but additional data are needed to prove that conclusively. Therefore, this variant has been classified as Likely Pathogenic.

Blueprint Genetics
Classification: Pathogenic for TG-related disorders. Last evaluated: 2021-11-24. Review status: criteria provided, single submitter. Criteria: ACMG Guidelines, 2015. Collection method: clinical testing. Allele origin: germline. Affected: yes. Observed: 1 variant allele.

Fulgent Genetics
Classification: Likely pathogenic for Iodotyrosyl coupling defect; Autoimmune thyroid disease, susceptibility to, 3. Last evaluated: 2021-09-03. Review status: criteria provided, single submitter. Criteria: ACMG Guidelines, 2015. Collection method: clinical testing. Allele origin: unknown.

OMIM
Classification: Pathogenic for THYROID DYSHORMONOGENESIS 3. Last evaluated: 2006-01-01. Review status: no assertion criteria provided. Collection method: literature only. Allele origin: germline. Not counted in ClinVar's aggregate classification.

Literature cited by the submitters: PubMed 16720658 (cited by Labcorp Genetics (formerly Invitae), Labcorp); PubMed 29275168 (cited by Labcorp Genetics (formerly Invitae), Labcorp); PubMed 23035660 (cited by Labcorp Genetics (formerly Invitae), Labcorp); PubMed 16477365 (cited by OMIM).